The following is an entry in ClinVar:

ClinVar aggregate classification (germline): Conflicting classifications of pathogenicity. Review status: criteria provided, conflicting classifications (1 of 4 stars). 3 submissions from 3 submitters: Likely pathogenic (2); Uncertain significance (1). Last evaluated 2026-08-01.

Conditions:
COL4A4-related disorder.
Hematuria. Identifiers: MedGen C0018965, HP:0000790.

Submissions (3):

CeGaT Center for Human Genetics Tuebingen
Classification: Uncertain significance. Last evaluated: 2026-08-01. Review status: criteria provided, single submitter. Criteria: CeGaT Center For Human Genetics Tuebingen Variant Classification Criteria Version 2. Collection method: clinical testing. Allele origin: germline. Affected: yes. Observed: 2 variant alleles.
Comment: COL4A4: PM2, PP3, PS4:Supporting

Genetics Laboratory, Great Ormond Street Hospital NHS Foundation Trust, North Thames Genomic Laboratory Hub
Classification: Likely pathogenic for Haematuria. Last evaluated: 2026-06-03. Review status: criteria provided, single submitter. Criteria: ACGS Best Practice Guidelines for Variant Classification in Rare Disease 2024 v1.2. Collection method: clinical testing. Allele origin: germline. Affected: yes.
Comment: PS4_supporting, PM2_moderate, PP3_supporting, PP1_moderate

Blueprint Genetics
Classification: Likely pathogenic for COL4A4-related disorders. Last evaluated: 2023-06-30. Review status: criteria provided, single submitter. Criteria: ACMG Guidelines, 2015. Collection method: clinical testing. Allele origin: germline. Affected: yes. Observed: 1 variant allele.

NM_000092.5(COL4A4):c.1623+5G>T

Gene: COL4A4 (collagen type IV alpha 4 chain; minus strand). Cytogenetic location: 2q36.3.
Variant type: single nucleotide variant.
Coding change: c.1623+5G>T on transcript NM_000092.5 (MANE Select); 5 bases into the intron after coding-DNA position 1623, G replaced by T.
Molecular consequence: intron variant.
Genome position (GRCh38, 1-based): chr2:227,088,648, C>A on the plus strand (G>T on the coding strand, the complement: COL4A4 is on the minus strand). VCF-style: chr2-227088648-C-A. GRCh37 (hg19) VCF-style: chr2-227953364-C-A.
Identifiers: ClinVar variation 4879886 (VCV004879886.3).